The following is an entry in ClinVar:

ClinVar aggregate classification (germline): Conflicting classifications of pathogenicity. Review status: criteria provided, conflicting classifications (1 of 4 stars). 4 submissions from 4 submitters: Uncertain significance (3); Likely benign (1). Last evaluated 2025-07-08.

Conditions:
Hereditary cancer-predisposing syndrome. Also called: Hereditary Cancer Syndrome; Hereditary neoplastic syndrome; Neoplastic Syndromes, Hereditary; Tumor predisposition. Identifiers: Orphanet 140162, MedGen C0027672, MeSH D009386, MONDO:0015356.
Intellectual disability, autosomal dominant 16 (CSS4). Also called: COFFIN-SIRIS SYNDROME 4. Identifiers: Orphanet 1465, MedGen C3553249, MONDO:0013821, OMIM 614609.
Rhabdoid tumor predisposition syndrome 2 (RTPS2). Identifiers: Orphanet 231108, Orphanet 69077, MedGen C2750074, MONDO:0013224, OMIM 613325.

Submissions (4):

Labcorp Genetics (formerly Invitae), Labcorp
Classification: Uncertain significance for Rhabdoid tumor predisposition syndrome 2. Last evaluated: 2025-07-08. Review status: criteria provided, single submitter. Criteria: Invitae Variant Classification Sherloc (09022015). Collection method: clinical testing. Allele origin: germline.
Comment: This sequence change replaces glutamine, which is neutral and polar, with glutamic acid, which is acidic and polar, at codon 349 of the SMARCA4 protein (p.Gln349Glu). This variant is not present in population databases (gnomAD no frequency). This variant has not been reported in the literature in individuals affected with SMARCA4-related conditions. ClinVar contains an entry for this variant (Variation ID: 408667). Invitae Evidence Modeling of protein sequence and biophysical properties (such as structural, functional, and spatial information, amino acid conservation, physicochemical variation, residue mobility, and thermodynamic stability) has been performed for this missense variant. However, the output from this modeling did not meet the statistical confidence thresholds required to predict the impact of this variant on SMARCA4 protein function. In summary, the available evidence is currently insufficient to determine the role of this variant in disease. Therefore, it has been classified as a Variant of Uncertain Significance.

Quest Diagnostics Nichols Institute San Juan Capistrano
Classification: Uncertain significance. Last evaluated: 2025-02-11. Review status: criteria provided, single submitter. Criteria: Quest Diagnostics criteria. Collection method: clinical testing. Allele origin: unknown.
Comment: The SMARCA4 c.1045C>G (p.Gln349Glu) variant has been reported in the published literature in an individual with colorectal cancer (PMID: 33144586 (2020)). This variant has not been reported in large, multi-ethnic general populations (Genome Aggregation Database). Analysis of this variant using bioinformatics tools for the prediction of the effect of amino acid changes on protein structure and function yielded predictions that this variant is benign. Based on the available information, we are unable to determine the clinical significance of this variant.

Ambry Genetics
Classification: Likely benign for Hereditary cancer-predisposing syndrome. Last evaluated: 2022-07-21. Review status: criteria provided, single submitter. Criteria: Ambry Variant Classification Scheme 2023. Collection method: clinical testing. Allele origin: germline.

Genome-Nilou Lab
Classification: Uncertain significance for Intellectual disability, autosomal dominant 16. Last evaluated: 2021-07-15. Review status: criteria provided, single submitter. Criteria: ACMG Guidelines, 2015. Collection method: clinical testing. Allele origin: germline. Affected: no.

Literature cited by the submitters: PubMed 33144586 (cited by Quest Diagnostics Nichols Institute San Juan Capistrano).

NM_003072.5(SMARCA4):c.1045C>G (p.Gln349Glu)

Gene: SMARCA4 (SWI/SNF related BAF chromatin remodeling complex subunit ATPase 4; plus strand). Cytogenetic location: 19p13.2.
Variant type: single nucleotide variant.
Coding change: c.1045C>G on transcript NM_003072.5 (MANE Select); coding-DNA position 1045, C replaced by G.
Protein change: p.Gln349Glu; replaces glutamine 349 with glutamic acid.
Molecular consequence: missense variant. On other transcripts: non-coding transcript variant (1).
Genome position (GRCh38, 1-based): chr19:10,987,851, C>G. VCF-style: chr19-10987851-C-G. GRCh37 (hg19) VCF-style: chr19-11098527-C-G.
Other names: c.1045C>G, p.Gln349Glu (NM_001128844.3, NM_001128845.2, NM_001128846.2 and 5 more transcripts); short protein forms Q349E.
Identifiers: ClinVar variation 408667 (VCV000408667.18), dbSNP rs1060502092, ClinGen allele CA16615889.